The following is an entry in ClinVar:

NM_014991.6(WDFY3):c.770-10A>G

Gene: WDFY3 (WD repeat and FYVE domain containing 3; minus strand). Cytogenetic location: 4q21.23.
Variant type: single nucleotide variant.
Coding change: c.770-10A>G on transcript NM_014991.6 (MANE Select); 10 bases into the intron before coding-DNA position 770, A replaced by G.
Molecular consequence: intron variant.
Genome position (GRCh38, 1-based): chr4:84,829,200, T>C on the plus strand (A>G on the coding strand, the complement: WDFY3 is on the minus strand). VCF-style: chr4-84829200-T-C. GRCh37 (hg19) VCF-style: chr4-85750353-T-C.
Identifiers: ClinVar variation 1690884 (VCV001690884.2), dbSNP rs191723338, ClinGen allele CA2994088.

ClinVar aggregate classification (germline): Likely benign (1 of 4 stars; one submission).

Allele frequency attached by ClinVar (database versions not stated): 1000 Genomes Project 30x 0.00016; 1000 Genomes Project 0.00020; TOPMed 0.00035; gnomAD 0.00038 and 0.00041; ESP Exome Variant Server 0.00054.
gnomAD v4.1: 116 of 1,527,118 alleles (0.0076%); highest among the groups gnomAD compares: African/African-American, 0.12%; no homozygotes.

Submission:

Laboratorio de Genetica e Diagnostico Molecular, Hospital Israelita Albert Einstein
Classification: Likely benign. Last evaluated: 2020-06-02. Review status: criteria provided, single submitter. Criteria: ACMG Guidelines, 2015. Collection method: clinical testing. Allele origin: germline. Affected: yes.
Comment: ACMG classification criteria: BS1, BP4